The following is an entry in ClinVar:

NM_000642.3(AGL):c.3792A>T (p.Gly1264=)

Gene: AGL (amylo-alpha-1,6-glucosidase and 4-alpha-glucanotransferase; plus strand). Cytogenetic location: 1p21.2.
Variant type: single nucleotide variant.
Coding change: c.3792A>T on transcript NM_000642.3 (MANE Select); coding-DNA position 3792, A replaced by T.
Protein change: p.Gly1264=; no amino-acid change (glycine 1264 retained).
Molecular consequence: synonymous variant.
Genome position (GRCh38, 1-based): chr1:99,910,803, A>T. VCF-style: chr1-99910803-A-T. GRCh37 (hg19) VCF-style: chr1-100376359-A-T.
Other names: p.Gly1264=; c.3792A>T, p.Gly1264= (NM_000028.3, NM_000643.3, NM_000644.3 and 1 more transcripts); c.3744A>T, p.Gly1248= (NM_000646.3); c.3771A>T, p.Gly1257= (NM_001425326.1); c.3591A>T, p.Gly1197= (NM_001425327.1); c.3588A>T, p.Gly1196= (NM_001425328.1); c.3453A>T, p.Gly1151= (NM_001425329.1); c.3414A>T, p.Gly1138= (NM_001425332.1).
Identifiers: ClinVar variation 381841 (VCV000381841.27), dbSNP rs148606237, ClinGen allele CA967215.

ClinVar aggregate classification (germline): Benign/Likely benign. Review status: criteria provided, multiple submitters, no conflicts (2 of 4 stars). 7 submissions from 7 submitters: Benign (2); Likely benign (5). Last evaluated 2026-02-04.

Conditions:
Glycogen storage disease type III (GSD3). Also called: Cori disease; FORBES DISEASE. Identifiers: Orphanet 366, MedGen C0017922, MONDO:0009291, OMIM 232400.

Allele frequency attached by ClinVar (database versions not stated): gnomAD exomes 0.00013 and 0.00033; ExAC 0.00043; 1000 Genomes Project 0.00080; 1000 Genomes Project 30x 0.00094; gnomAD 0.00133 and 0.00151; TOPMed 0.00150; ESP Exome Variant Server 0.00192.
gnomAD v4.1: 411 of 1,613,356 alleles (0.025%); highest among the groups gnomAD compares: African/African-American, 0.49%; 2 homozygotes.

Submissions (10):

Labcorp Genetics (formerly Invitae), Labcorp
Classification: Benign for Glycogen storage disease type III. Last evaluated: 2026-02-04. Review status: criteria provided, single submitter. Criteria: Invitae Variant Classification Sherloc (09022015). Collection method: clinical testing. Allele origin: germline.

Mayo Clinic Laboratories, Mayo Clinic
Classification: Likely benign. Last evaluated: 2025-04-08. Review status: criteria provided, single submitter. Criteria: ACMG Guidelines, 2015. Collection method: clinical testing. Allele origin: germline. Observed: 6 variant alleles.
Comment: BS1, BP4, BP7

Blueprint Genetics
Classification: Likely benign. Last evaluated: 2024-09-04. Review status: criteria provided, single submitter. Criteria: ACMG Guidelines, 2015. Collection method: clinical testing. Allele origin: germline.

ARUP Laboratories, Molecular Genetics and Genomics, ARUP Laboratories
Classification: Likely benign. Last evaluated: 2023-12-19. Review status: criteria provided, single submitter. Criteria: ARUP Molecular Germline Variant Investigation Process 2024. Collection method: clinical testing. Allele origin: germline.

Genome-Nilou Lab
Classification: Benign for Glycogen storage disease type III. Last evaluated: 2021-07-15. Review status: criteria provided, single submitter. Criteria: ACMG Guidelines, 2015. Collection method: clinical testing. Allele origin: germline. Affected: no.

GeneDx
Classification: Likely benign. Last evaluated: 2021-05-24. Review status: criteria provided, single submitter. Criteria: GeneDx Variant Classification Process June 2021. Collection method: clinical testing. Allele origin: germline. Affected: yes.

Breakthrough Genomics
Classification: Likely benign. Review status: criteria provided, single submitter. Criteria: ACMG Guidelines, 2015. Collection method: not provided. Allele origin: germline. Inheritance: Autosomal recessive inheritance. Affected: yes.

Dr. Peter K. Rogan Lab, Western University
No classification provided (evidence only). Condition: Cervical cancer. Review status: no classification provided. Collection method: in vitro. Allele origin: not applicable. Functional consequence: retained intron. Not counted in ClinVar's aggregate classification.

Dr. Peter K. Rogan Lab, Western University
No classification provided (evidence only). Condition: Acute myeloid leukemia. Review status: no classification provided. Collection method: in vitro. Allele origin: not applicable. Functional consequence: retained intron. Not counted in ClinVar's aggregate classification.

Dr. Peter K. Rogan Lab, Western University
No classification provided (evidence only). Condition: Gastric cancer. Review status: no classification provided. Collection method: in vitro. Allele origin: not applicable. Functional consequence: retained intron. Not counted in ClinVar's aggregate classification.